The following is an entry in ClinVar:

NM_001330691.3(CEP78):c.534del (p.Lys179fs)

Gene: CEP78 (centrosomal protein 78; plus strand). Cytogenetic location: 9q21.2.
Variant type: Deletion.
Coding change: c.534del on transcript NM_001330691.3 (MANE Select); coding-DNA position 534, one base deleted (T; older notation c.534delT).
Protein change: p.Lys179fs; shifts the reading frame from lysine 179.
Molecular consequence: frameshift variant.
Genome position (GRCh38, 1-based): chr9:78,241,730, T deleted; the last of 2 consecutive T bases (chr9:78,241,729-78,241,730); deleting either gives the same sequence. VCF-style (leftmost placement, unchanged base first): chr9-78241728-CT-C. GRCh37 (hg19) VCF-style: chr9-80856644-CT-C.
Other names: c.534del (NM_032171.1); c.534del, p.Lys179fs (NM_001098802.3, NM_001330693.3, NM_001330694.2 and 4 more transcripts); short protein forms K179fs.
Identifiers: ClinVar variation 372270 (VCV000372270.15), dbSNP rs1057517695, ClinGen allele CA16042274.

ClinVar aggregate classification (germline): Pathogenic. Review status: criteria provided, multiple submitters, no conflicts (2 of 4 stars). 4 submissions from 4 submitters: Pathogenic (2). 2 of the submissions do not count toward it. Last evaluated 2025-07-16.

Conditions:
CEP78-related disorder. Also called: CEP78-related condition.
Cone-rod dystrophy and hearing loss 1 (CRDHL1). Identifiers: MedGen C5193018, MONDO:0020778, OMIM 617236.
Cone-rod dystrophy. Also called: Cone/cone-rod dystrophy; Cone-rod degeneration. Identifiers: Orphanet 1872, MedGen C4085590, MONDO:0015993, HP:0000548.
Sensorineural hearing loss disorder. Also called: Sensorineural hearing impairment; Sensorineural hearing loss; Sensorineural Deafness. Identifiers: MedGen C0018784, MeSH D006319, MONDO:0020678, HP:0000407.

Submissions (4):

Labcorp Genetics (formerly Invitae), Labcorp
Classification: Pathogenic. Last evaluated: 2025-07-16. Review status: criteria provided, single submitter. Criteria: Invitae Variant Classification Sherloc (09022015). Collection method: clinical testing. Allele origin: germline.
Comment: This sequence change creates a premature translational stop signal (p.Lys179Argfs*10) in the CEP78 gene. It is expected to result in an absent or disrupted protein product. Loss-of-function variants in CEP78 are known to be pathogenic (PMID: 27588451, 27588452, 32531858, 33879512, 34223797, 35240912, 37734845, 38780195). This variant is not present in population databases (gnomAD no frequency). This premature translational stop signal has been observed in individuals with inherited retinal disease (PMID: 27588452). ClinVar contains an entry for this variant (Variation ID: 372270). For these reasons, this variant has been classified as Pathogenic.

Blueprint Genetics
Classification: Pathogenic for CEP78-related disorders. Last evaluated: 2024-07-22. Review status: criteria provided, single submitter. Criteria: ACMG Guidelines, 2015. Collection method: clinical testing. Allele origin: germline. Affected: yes. Observed: 2 variant alleles.

OMIM
Classification: Pathogenic for CONE-ROD DYSTROPHY AND HEARING LOSS 1. Last evaluated: 2021-06-14. Review status: no assertion criteria provided. Collection method: literature only. Allele origin: germline. Not counted in ClinVar's aggregate classification.

Sharon lab, Hadassah-Hebrew University Medical Center
Classification: Pathogenic for Cone-rod degeneration; sensorineural hearing loss. Last evaluated: 2019-06-23. Review status: no assertion criteria provided. Collection method: research. Allele origin: inherited. Affected: yes. Not counted in ClinVar's aggregate classification.

Literature cited by the submitters: PubMed 27588451 (cited by Labcorp Genetics (formerly Invitae), Labcorp); PubMed 27588452 (cited by Labcorp Genetics (formerly Invitae), Labcorp and OMIM); PubMed 32531858 (cited by Labcorp Genetics (formerly Invitae), Labcorp); PubMed 33879512 (cited by Labcorp Genetics (formerly Invitae), Labcorp); PubMed 34223797 (cited by Labcorp Genetics (formerly Invitae), Labcorp); PubMed 35240912 (cited by Labcorp Genetics (formerly Invitae), Labcorp); PubMed 37734845 (cited by Labcorp Genetics (formerly Invitae), Labcorp); PubMed 38780195 (cited by Labcorp Genetics (formerly Invitae), Labcorp).